The following is an entry in ClinVar:

ClinVar aggregate classification (germline): Uncertain significance. Review status: criteria provided, multiple submitters, no conflicts (2 of 4 stars). 7 submissions from 7 submitters: Uncertain significance (6). 1 of the submissions does not count toward it. Last evaluated 2025-10-30.

Conditions:
Glycogen storage disease, type II (IOPD). Also called: Pompe Disease; CARDIOMEGALIA GLYCOGENICA DIFFUSA; GLYCOGENOSIS, GENERALIZED, CARDIAC FORM; GSD II; Glycogen storage disease type 2; Acid maltase deficiency disease. Identifiers: Orphanet 365, MedGen C0017921, MONDO:0009290, OMIM 232300.

Allele frequency attached by ClinVar (database versions not stated): gnomAD 0.00001 and 0.00002; gnomAD exomes 0.00001; ExAC 0.00002; TOPMed 0.00002.
gnomAD v4.1: 14 of 1,595,574 alleles (0.00088%); highest among the groups gnomAD compares: Middle Eastern, 0.038%; no homozygotes.

Submissions (7):

Myriad Genetics, Inc.
Classification: Uncertain significance for Glycogen storage disease, type II. Last evaluated: 2025-10-30. Review status: criteria provided, single submitter. Criteria: Myriad Autosomal Dominant, Autosomal Recessive and X-Linked Classification Criteria (2023). Collection method: clinical testing. Allele origin: unknown.
Comment: NM_000152.3(GAA):c.685C>T(R229C) is a missense variant classified as a variant of uncertain significance in the context of Pompe disease. R229C has not been observed in cases with relevant disease. Relevant functional assessments of this variant are not available in the literature. R229C has been observed in referenced population frequency databases. In summary, there is insufficient evidence to classify NM_000152.3(GAA):c.685C>T(R229C) as pathogenic or benign. Please note: this variant was assessed in the context of healthy population screening.

GeneDx
Classification: Uncertain significance. Last evaluated: 2025-06-10. Review status: criteria provided, single submitter. Criteria: GeneDx Variant Classification Process June 2021. Collection method: clinical testing. Allele origin: germline. Affected: yes.
Comment: Not observed at significant frequency in large population cohorts (gnomAD); In silico analysis suggests that this missense variant does not alter protein structure/function; Has not been previously published as pathogenic or benign to our knowledge; This variant is associated with the following publications: (PMID: 19343043, 22253258)

Labcorp Genetics (formerly Invitae), Labcorp
Classification: Uncertain significance for Glycogen storage disease, type II. Last evaluated: 2022-07-26. Review status: criteria provided, single submitter. Criteria: Invitae Variant Classification Sherloc (09022015). Collection method: clinical testing. Allele origin: germline.
Comment: This sequence change replaces arginine, which is basic and polar, with cysteine, which is neutral and slightly polar, at codon 229 of the GAA protein (p.Arg229Cys). This variant is present in population databases (rs375295347, gnomAD 0.003%). This variant has not been reported in the literature in individuals affected with GAA-related conditions. ClinVar contains an entry for this variant (Variation ID: 286250). Advanced modeling of protein sequence and biophysical properties (such as structural, functional, and spatial information, amino acid conservation, physicochemical variation, residue mobility, and thermodynamic stability) performed at Invitae indicates that this missense variant is not expected to disrupt GAA protein function. In summary, the available evidence is currently insufficient to determine the role of this variant in disease. Therefore, it has been classified as a Variant of Uncertain Significance.

Genome-Nilou Lab
Classification: Uncertain significance for Glycogen storage disease, type II. Last evaluated: 2021-09-05. Review status: criteria provided, single submitter. Criteria: ACMG Guidelines, 2015. Collection method: clinical testing. Allele origin: germline. Affected: no.

Illumina Laboratory Services, Illumina
Classification: Uncertain significance for Glycogen storage disease, type II. Last evaluated: 2017-04-27. Review status: criteria provided, single submitter. Criteria: ICSL Variant Classification Criteria 13 December 2019. Collection method: clinical testing. Allele origin: germline.

Eurofins Ntd Llc (ga)
Classification: Uncertain significance. Last evaluated: 2017-04-06. Review status: criteria provided, single submitter. Criteria: EGL Classification Definitions 2015. Collection method: clinical testing. Allele origin: germline. Observed: 3 variant alleles, 2 heterozygotes, 1 homozygote.

Natera, Inc.
Classification: Uncertain significance for Glycogen storage disease type II. Last evaluated: 2019-10-28. Review status: no assertion criteria provided. Collection method: clinical testing. Allele origin: germline. Not counted in ClinVar's aggregate classification.

NM_000152.5(GAA):c.685C>T (p.Arg229Cys)

Gene: GAA (alpha glucosidase; plus strand). Cytogenetic location: 17q25.3.
Variant type: single nucleotide variant.
Coding change: c.685C>T on transcript NM_000152.5 (MANE Select); coding-DNA position 685, C replaced by T.
Protein change: p.Arg229Cys; replaces arginine 229 with cysteine.
Molecular consequence: missense variant.
Genome position (GRCh38, 1-based): chr17:80,105,887, C>T. VCF-style: chr17-80105887-C-T. GRCh37 (hg19) VCF-style: chr17-78079686-C-T.
Other names: c.685C>T, p.Arg229Cys (NM_001079803.3, NM_001079804.3); c.685C>T (LRG_673t1); short protein forms R229C.
Identifiers: ClinVar variation 286250 (VCV000286250.19), dbSNP rs375295347, ClinGen allele CA8814962.